The following is an entry in ClinVar:

NM_001267550.2(TTN):c.105952A>T (p.Thr35318Ser)

Genes: TTN (titin; minus strand), TTN-AS1 (TTN antisense RNA 1; plus strand), LOC129935183 (ATAC-STARR-seq lymphoblastoid active region 16808; plus strand). Cytogenetic location: 2q31.2.
Variant type: single nucleotide variant.
Coding change: c.105952A>T on transcript NM_001267550.2 (MANE Select); coding-DNA position 105952, A replaced by T.
Protein change: p.Thr35318Ser; replaces threonine 35318 with serine.
Molecular consequence: missense variant.
Genome position (GRCh38, 1-based): chr2:178,530,663, T>A on the plus strand (A>T on the coding strand, the complement: TTN is on the minus strand). VCF-style: chr2-178530663-T-A. GRCh37 (hg19) VCF-style: chr2-179395390-T-A.
Other names: c.101029A>T, p.Thr33677Ser (NM_001256850.1); c.78757A>T, p.Thr26253Ser (NM_003319.4); c.98248A>T, p.Thr32750Ser (NM_133378.4); c.79132A>T, p.Thr26378Ser (NM_133432.3); c.79333A>T, p.Thr26445Ser (NM_133437.4); short protein forms T26378S, T35318S, T26253S, T32750S, T26445S, T33677S.
Identifiers: ClinVar variation 1432461 (VCV001432461.10), dbSNP rs1688710616, ClinGen allele CA349407367.

ClinVar aggregate classification (germline): Uncertain significance. Review status: criteria provided, multiple submitters, no conflicts (2 of 4 stars). 3 submissions from 3 submitters: Uncertain significance (2). 1 of the submissions does not count toward it. Last evaluated 2025-02-12.

Conditions:
Myopathy, myofibrillar, 9, with early respiratory failure (MFM9). Also called: Hereditary myopathy with early respiratory failure; EDSTROM MYOPATHY; MYOPATHY, PROXIMAL, WITH EARLY RESPIRATORY MUSCLE INVOLVEMENT; Myopathy, distal, with early respiratory failure, autosomal dominant. Identifiers: Orphanet 178464, Orphanet 34521, MedGen C1863599, MONDO:0011362, OMIM 603689.
Hypertrophic cardiomyopathy 9. Also called: Familial hypertrophic cardiomyopathy 9. Identifiers: MedGen C1861065, MONDO:0013412, OMIM 613765.
Autosomal recessive limb-girdle muscular dystrophy type 2J (LGMDR10). Also called: Limb-girdle muscular dystrophy, type 2J; MUSCULAR DYSTROPHY, LIMB-GIRDLE, AUTOSOMAL RECESSIVE 10. Identifiers: Orphanet 140922, MedGen C1837342, MONDO:0012127, OMIM 608807.
Tibial muscular dystrophy (TMD). Also called: Udd Distal Myopathy – Tibial Muscular Dystrophy; Tibial muscular dystrophy, tardive; UDD MYOPATHY. Identifiers: Orphanet 609, MedGen C1838244, MONDO:0010870, OMIM 600334.
Early-onset myopathy with fatal cardiomyopathy (CMYO5). Also called: Salih Myopathy; CONGENITAL MYOPATHY 5 WITH CARDIOMYOPATHY. Identifiers: Orphanet 289377, MedGen C2673677, MONDO:0012714, OMIM 611705. Disease mechanism: loss of function.
Dilated cardiomyopathy 1G (CMD1G). Identifiers: Orphanet 154, MedGen C1858763, MONDO:0011400, OMIM 604145.
TTN-related disorder. Also called: TTN-related condition; TTN-related disease; TTN-related disorders.

Allele frequency attached by ClinVar (database versions not stated): TOPMed below 0.00001.

Submissions (3):

Labcorp Genetics (formerly Invitae), Labcorp
Classification: Uncertain significance for Dilated cardiomyopathy 1G; Autosomal recessive limb-girdle muscular dystrophy type 2J. Last evaluated: 2025-02-12. Review status: criteria provided, single submitter. Criteria: Invitae Variant Classification Sherloc (09022015). Collection method: clinical testing. Allele origin: germline.
Comment: This sequence change replaces threonine, which is neutral and polar, with serine, which is neutral and polar, at codon 35318 of the TTN protein (p.Thr35318Ser). This variant is not present in population databases (gnomAD no frequency). This variant has not been reported in the literature in individuals affected with TTN-related conditions. ClinVar contains an entry for this variant (Variation ID: 1432461). An algorithm developed to predict the effect of missense changes on protein structure and function outputs the following: PolyPhen-2: "Not Available". The serine amino acid residue is found in multiple mammalian species, which suggests that this missense change does not adversely affect protein function. This variant is located in the M band of TTN (PMID: 25589632). Non-truncating variants in this region may be relevant for neuromuscular disorders, but have not been definitively shown to cause cardiomyopathy (PMID: 23975875). In summary, the available evidence is currently insufficient to determine the role of this variant in disease. Therefore, it has been classified as a Variant of Uncertain Significance.

Fulgent Genetics
Classification: Uncertain significance for Tibial muscular dystrophy; Myopathy, myofibrillar, 9, with early respiratory failure; Dilated cardiomyopathy 1G; Autosomal recessive limb-girdle muscular dystrophy type 2J; Early-onset myopathy with fatal cardiomyopathy; Hypertrophic cardiomyopathy 9. Last evaluated: 2021-11-08. Review status: criteria provided, single submitter. Criteria: ACMG Guidelines, 2015. Collection method: clinical testing. Allele origin: unknown.

PreventionGenetics, part of Exact Sciences
Classification: Uncertain significance for TTN-related condition. Last evaluated: 2024-03-12. Review status: no assertion criteria provided. Collection method: clinical testing. Allele origin: germline. Not counted in ClinVar's aggregate classification.
Comment: The TTN c.105952A>T variant is predicted to result in the amino acid substitution p.Thr35318Ser. To our knowledge, this variant has not been reported in the literature or in a large population database, indicating this variant is rare. At this time, the clinical significance of this variant is uncertain due to the absence of conclusive functional and genetic evidence.

Literature cited by the submitters: PubMed 25589632 (cited by Labcorp Genetics (formerly Invitae), Labcorp); PubMed 23975875 (cited by Labcorp Genetics (formerly Invitae), Labcorp).